The following is an entry in ClinVar:

NM_007103.4(NDUFV1):c.1222G>A (p.Glu408Lys)

Genes: NDUFV1 (NADH:ubiquinone oxidoreductase core subunit V1; plus strand), LOC126861242 (CDK7 strongly-dependent group 2 enhancer GRCh37_chr11:67379204-67380403; plus strand). Cytogenetic location: 11q13.2.
Variant type: single nucleotide variant.
Coding change: c.1222G>A on transcript NM_007103.4 (MANE Select); coding-DNA position 1222, G replaced by A.
Protein change: p.Glu408Lys; replaces glutamic acid 408 with lysine.
Molecular consequence: missense variant.
Genome position (GRCh38, 1-based): chr11:67,612,179, G>A. VCF-style: chr11-67612179-G-A. GRCh37 (hg19) VCF-style: chr11-67379650-G-A.
Other names: c.1195G>A, p.Glu399Lys (NM_001166102.2); short protein forms E408K, E399K.
Identifiers: ClinVar variation 1361255 (VCV001361255.6), dbSNP rs201787156, ClinGen allele CA224182221.

ClinVar aggregate classification (germline): Uncertain significance (1 of 4 stars; one submission).

Allele frequency attached by ClinVar (database versions not stated): gnomAD exomes 0.00002; gnomAD 0.00005 and 0.00006; TOPMed 0.00006.
gnomAD v4.1: 31 of 1,613,618 alleles (0.0019%); highest among the groups gnomAD compares: Admixed American, 0.015%; no homozygotes.

Submission:

Labcorp Genetics (formerly Invitae), Labcorp
Classification: Uncertain significance. Last evaluated: 2024-02-17. Review status: criteria provided, single submitter. Criteria: Invitae Variant Classification Sherloc (09022015). Collection method: clinical testing. Allele origin: germline.
Comment: This sequence change replaces glutamic acid, which is acidic and polar, with lysine, which is basic and polar, at codon 408 of the NDUFV1 protein (p.Glu408Lys). This variant is present in population databases (rs201787156, gnomAD 0.006%). This variant has not been reported in the literature in individuals affected with NDUFV1-related conditions. ClinVar contains an entry for this variant (Variation ID: 1361255). Advanced modeling of protein sequence and biophysical properties (such as structural, functional, and spatial information, amino acid conservation, physicochemical variation, residue mobility, and thermodynamic stability) performed at Invitae indicates that this missense variant is expected to disrupt NDUFV1 protein function with a positive predictive value of 80%. In summary, the available evidence is currently insufficient to determine the role of this variant in disease. Therefore, it has been classified as a Variant of Uncertain Significance.